The following is an entry in ClinVar:

ClinVar aggregate classification (germline): Likely benign (1 of 4 stars; one submission).

Allele frequency attached by ClinVar (database versions not stated): gnomAD 0.00001; TOPMed 0.00001; ESP Exome Variant Server 0.00015.

Submission:

CeGaT Center for Human Genetics Tuebingen
Classification: Likely benign. Last evaluated: 2023-03-01. Review status: criteria provided, single submitter. Criteria: CeGaT Center For Human Genetics Tuebingen Variant Classification Criteria Version 2. Collection method: clinical testing. Allele origin: germline. Affected: yes. Observed: 1 variant allele.
Comment: SLITRK5: BP4, BP7

NM_001384609.1(SLITRK5):c.823T>C (p.Leu275=)

Gene: SLITRK5 (SLIT and NTRK like family member 5; plus strand). Cytogenetic location: 13q31.2.
Variant type: single nucleotide variant.
Coding change: c.823T>C on transcript NM_001384609.1 (MANE Select); coding-DNA position 823, T replaced by C.
Protein change: p.Leu275=; no amino-acid change (leucine 275 retained).
Molecular consequence: synonymous variant.
Genome position (GRCh38, 1-based): chr13:87,676,211, T>C. VCF-style: chr13-87676211-T-C. GRCh37 (hg19) VCF-style: chr13-88328466-T-C.
Other names: c.823T>C, p.Leu275= (NM_001384610.1, NM_015567.2).
Identifiers: ClinVar variation 2643874 (VCV002643874.24), dbSNP rs367825699, ClinGen allele CA7015543.
Genomic context (GRCh38, chr13:87,676,211, plus strand): 5'-TATTCAGCCCTGGTGGGGGATGTAGTTTGTGAGACCCCCTTCCGCTTACACGGAAGGGAC[T>C]TGGACGAGGTATCCAAGCAGGAACTTTGCCCAAGGAGACTTATTTCTGACTACGAGATGA-3'
Protein context (NP_001371538.1, residues 265-285): ETPFRLHGRD[Leu275=]DEVSKQELCP